The following is an entry in ClinVar:

NM_001081.4(CUBN):c.5911C>A (p.Pro1971Thr)

Gene: CUBN (cubilin; minus strand). Cytogenetic location: 10p13.
Variant type: single nucleotide variant.
Coding change: c.5911C>A on transcript NM_001081.4 (MANE Select); coding-DNA position 5911, C replaced by A.
Protein change: p.Pro1971Thr; replaces proline 1971 with threonine.
Molecular consequence: missense variant.
Genome position (GRCh38, 1-based): chr10:16,937,607, G>T on the plus strand (C>A on the coding strand, the complement: CUBN is on the minus strand). VCF-style: chr10-16937607-G-T. GRCh37 (hg19) VCF-style: chr10-16979606-G-T.
Other names: short protein forms P1971T.
Identifiers: ClinVar variation 299451 (VCV000299451.19), dbSNP rs2356590, ClinGen allele CA5423877.

ClinVar aggregate classification (germline): Benign/Likely benign. Review status: criteria provided, multiple submitters, no conflicts (2 of 4 stars). 7 submissions from 7 submitters: Benign (6); Likely benign (1). Last evaluated 2026-02-02.

Conditions:
Imerslund-Grasbeck syndrome type 1 (IGS1). Also called: Megaloblastic anemia 1, Finnish type; MEGALOBLASTIC ANEMIA, 1; Imerslund-Gräsbeck syndrome 1. Identifiers: MedGen C4016819, MONDO:0100156, OMIM 261100.
Proteinuria, chronic benign. Identifiers: MedGen C5394384, MONDO:0030042, OMIM 618884.
Imerslund-Grasbeck syndrome. Also called: ENTEROCYTE COBALAMIN MALABSORPTION; ENTEROCYTE INTRINSIC FACTOR RECEPTOR, DEFECT OF; Imerslund-Gräsbeck syndrome; PERNICIOUS ANEMIA, JUVENILE, DUE TO SELECTIVE INTESTINAL MALABSORPTION OF VITAMIN B12, WITH PROTEINURIA; Megaloblastic anemia due to inborn errors of metabolism. Identifiers: Orphanet 35858, MedGen C4551825, MONDO:0009853.

Allele frequency attached by ClinVar (database versions not stated): ESP Exome Variant Server 0.01776; TOPMed 0.05087; 1000 Genomes Project 0.07947; 1000 Genomes Project 30x 0.08011.
gnomAD v4.1: 48,314 of 1,613,616 alleles (3%); highest among the groups gnomAD compares: Admixed American, 23%; 3,008 homozygotes.

Submissions (7):

Labcorp Genetics (formerly Invitae), Labcorp
Classification: Benign for Imerslund-Grasbeck syndrome. Last evaluated: 2026-02-02. Review status: criteria provided, single submitter. Criteria: Invitae Variant Classification Sherloc (09022015). Collection method: clinical testing. Allele origin: germline.

Blueprint Genetics
Classification: Benign. Last evaluated: 2024-11-27. Review status: criteria provided, single submitter. Criteria: ACMG Guidelines, 2015. Collection method: clinical testing. Allele origin: germline.

Mayo Clinic Laboratories, Mayo Clinic
Classification: Benign. Last evaluated: 2022-03-09. Review status: criteria provided, single submitter. Criteria: ACMG Guidelines, 2015. Collection method: clinical testing. Allele origin: germline. Observed: 24 variant alleles.

Fulgent Genetics
Classification: Likely benign for Imerslund-Grasbeck syndrome type 1; Proteinuria, chronic benign. Last evaluated: 2022-02-07. Review status: criteria provided, single submitter. Criteria: ACMG Guidelines, 2015. Collection method: clinical testing. Allele origin: unknown.

GeneDx
Classification: Benign. Last evaluated: 2018-07-07. Review status: criteria provided, single submitter. Criteria: GeneDx Variant Classification Process June 2021. Collection method: clinical testing. Allele origin: germline. Affected: yes.

Illumina Laboratory Services, Illumina
Classification: Benign for Imerslund-Grasbeck syndrome type 1. Last evaluated: 2018-01-12. Review status: criteria provided, single submitter. Criteria: ICSL Variant Classification Criteria 13 December 2019. Collection method: clinical testing. Allele origin: germline.
Comment: This variant was observed in the ICSL laboratory as part of a predisposition screen in an ostensibly healthy population. It had not been previously curated by ICSL or reported in the Human Gene Mutation Database (HGMD: prior to June 1st, 2018), and was therefore a candidate for classification through an automated scoring system. Utilizing variant allele frequency, disease prevalence and penetrance estimates, and inheritance mode, an automated score was calculated to assess if this variant is too frequent to cause the disease. Based on the score and internal cut-off values, a variant classified as benign is not then subjected to further curation. The score for this variant resulted in a classification of benign for this disease.

Breakthrough Genomics
Classification: Benign. Review status: criteria provided, single submitter. Criteria: ACMG Guidelines, 2015. Collection method: not provided. Allele origin: germline. Inheritance: Autosomal recessive inheritance. Affected: yes.